The following is an entry in ClinVar:

NM_001165963.4(SCN1A):c.5755G>C (p.Ala1919Pro)

Genes: SCN1A (sodium voltage-gated channel alpha subunit 1; minus strand), LOC102724058 (uncharacterized LOC102724058; plus strand). Cytogenetic location: 2q24.3.
Variant type: single nucleotide variant.
Coding change: c.5755G>C on transcript NM_001165963.4 (MANE Select); coding-DNA position 5755, G replaced by C.
Protein change: p.Ala1919Pro; replaces alanine 1919 with proline.
Molecular consequence: missense variant. On other transcripts: non-coding transcript variant (1).
Genome position (GRCh38, 1-based): chr2:165,991,520, C>G on the plus strand (G>C on the coding strand, the complement: SCN1A is on the minus strand). VCF-style: chr2-165991520-C-G. GRCh37 (hg19) VCF-style: chr2-166848030-C-G.
Other names: p.A1919P:GCT>CCT; c.5671G>C, p.Ala1891Pro (NM_001165964.3, NM_001353957.2, NM_001353958.2); c.5755G>C, p.Ala1919Pro (NM_001202435.3, NM_001353948.2); c.5722G>C, p.Ala1908Pro (NM_001353949.2, NM_001353950.2, NM_001353951.2 and 2 more transcripts); c.5719G>C, p.Ala1907Pro (NM_001353954.2, NM_001353955.2); c.5668G>C, p.Ala1890Pro (NM_001353960.2); c.3313G>C, p.Ala1105Pro (NM_001353961.2); short protein forms A1908P, A1919P, A1105P, A1907P, A1891P, A1890P.
Identifiers: ClinVar variation 206949 (VCV000206949.2), dbSNP rs796053104, ClinGen allele CA317832.

ClinVar aggregate classification (germline): Uncertain significance (1 of 4 stars; one submission).

Submission:

GeneDx
Classification: Uncertain significance. Last evaluated: 2017-06-29. Review status: criteria provided, single submitter. Criteria: GeneDx Variant Classification (06012015). Collection method: clinical testing. Allele origin: germline. Affected: yes.
Comment: p.Ala1919Pro (GCT>CCT): c.5755 G>C in exon 26 of the SCN1A gene (NM_001165963.1) A variant of unknown significance has been identified in the SCN1A gene. The A1919P variant has not been published as a mutation, nor has it been reported as a benign polymorphism to our knowledge. It was not observed in approximately 6,500 individuals of European and African American ancestry in the NHLBI Exome Sequencing Project, indicating it is not a common benign variant in these populations. The A1919P variant is a semi-conservative amino acid substitution, which may impact secondary protein structure as these residues differ in some properties. This substitution alters a position in the C-terminal region of the SCN1A protein that is conserved across species. Additionally, multiple missense mutations in nearby residues have been reported in association with SCN1A-related disorders, supporting the functional importance of this region of the protein. In silico analysis predicts this variant is probably damaging to the protein structure/function. Based on the currently available information, it is unclear whether this variant is a pathogenic mutation or a rare benign variant. The variant is found in EPILEPSY panel(s).